The following is an entry in ClinVar:

ClinVar aggregate classification (germline): Uncertain significance (1 of 4 stars; one submission).

Submission:

Women's Health and Genetics/Laboratory Corporation of America, LabCorp
Classification: Uncertain significance. Last evaluated: 2025-10-27. Review status: criteria provided, single submitter. Criteria: LabCorp Variant Classification Summary - May 2015. Collection method: clinical testing. Allele origin: germline.
Comment: Variant summary: SEPSECS c.269G>C (p.Arg90Thr) results in a non-conservative amino acid change in the encoded protein sequence. Algorithms developed to predict the effect of missense changes on protein structure and function all suggest that this variant is likely to be disruptive. Several computational tools predict a significant impact on normal splicing: Three predict the variant abolishes a 5' splicing donor site. One predicts the variant weakens a 5' donor site. However, these predictions have yet to be confirmed by functional studies. The variant was absent in 249264 control chromosomes. The available data on variant occurrences in the general population are insufficient to allow any conclusion about variant significance. To our knowledge, no occurrence of c.269G>C in individuals affected with SEPSECS-related conditions and no experimental evidence demonstrating its impact on protein function have been reported. No submitters have cited clinical-significance assessments for this variant to ClinVar. Based on the evidence outlined above, the variant was classified as uncertain significance.

NM_016955.4(SEPSECS):c.269G>C (p.Arg90Thr)

Gene: SEPSECS (Sep (O-phosphoserine) tRNA:Sec (selenocysteine) tRNA synthase; minus strand). Cytogenetic location: 4p15.2.
Variant type: single nucleotide variant.
Coding change: c.269G>C on transcript NM_016955.4 (MANE Select); coding-DNA position 269, G replaced by C.
Protein change: p.Arg90Thr; replaces arginine 90 with threonine.
Molecular consequence: missense variant.
Genome position (GRCh38, 1-based): chr4:25,158,953, C>G on the plus strand (G>C on the coding strand, the complement: SEPSECS is on the minus strand). VCF-style: chr4-25158953-C-G. GRCh37 (hg19) VCF-style: chr4-25160575-C-G.
Other names: c.524G>C, p.Arg175Thr (NM_001410714.1); short protein forms R175T, R90T.
Identifiers: ClinVar variation 4687711 (VCV004687711.1).